The following is an entry in ClinVar:

ClinVar aggregate classification (germline): Uncertain significance (1 of 4 stars; one submission).

Conditions:
Congenital disorder of glycosylation, type Ii. Also called: ALG2-congenital disorder of glycosylation; ALG2-CDG; CDG Ii. Identifiers: Orphanet 79326, MedGen C1842836, MONDO:0011933, OMIM 607906.
Congenital myasthenic syndrome 14. Also called: Myasthenic syndrome, congenital, 14, with tubular aggregates. Identifiers: Orphanet 353327, Orphanet 590, MedGen C4015597, MONDO:0014543, OMIM 616228.

gnomAD v4.1: 2 of 1,614,226 alleles (0.00012%); highest among the groups gnomAD compares: Admixed American, 0.0033%; no homozygotes.

Submission:

Labcorp Genetics (formerly Invitae), Labcorp
Classification: Uncertain significance for Congenital disorder of glycosylation, type Ii; Congenital myasthenic syndrome 14. Last evaluated: 2022-05-27. Review status: criteria provided, single submitter. Criteria: Invitae Variant Classification Sherloc (09022015). Collection method: clinical testing. Allele origin: germline.
Comment: This sequence change creates a premature translational stop signal (p.Tyr410*) in the ALG2 gene. While this is not anticipated to result in nonsense mediated decay, it is expected to disrupt the last 7 amino acid(s) of the ALG2 protein. In summary, the available evidence is currently insufficient to determine the role of this variant in disease. Therefore, it has been classified as a Variant of Uncertain Significance. Experimental studies and prediction algorithms are not available or were not evaluated, and the functional significance of this variant is currently unknown. This variant has not been reported in the literature in individuals affected with ALG2-related conditions. This variant is present in population databases (no rsID available, gnomAD 0.009%).

NM_033087.4(ALG2):c.1230T>A (p.Tyr410Ter)

Gene: ALG2 (ALG2 alpha-1,3/1,6-mannosyltransferase; minus strand). Cytogenetic location: 9q22.33.
Variant type: single nucleotide variant.
Coding change: c.1230T>A on transcript NM_033087.4 (MANE Select); coding-DNA position 1230, T replaced by A.
Protein change: p.Tyr410Ter; replaces tyrosine 410 with a stop codon.
Molecular consequence: nonsense. On other transcripts: non-coding transcript variant (1).
Genome position (GRCh38, 1-based): chr9:99,217,955, A>T on the plus strand (T>A on the coding strand, the complement: ALG2 is on the minus strand). VCF-style: chr9-99217955-A-T. GRCh37 (hg19) VCF-style: chr9-101980237-A-T.
Other names: short protein forms Y410*.
Identifiers: ClinVar variation 1392599 (VCV001392599.6), dbSNP rs372356780, ClinGen allele CA374224762.